The following is an entry in ClinVar:

NM_001011719.2(ARSH):c.1415G>A (p.Gly472Glu)

Gene: ARSH (arylsulfatase family member H; plus strand). Cytogenetic location: Xp22.33.
Variant type: single nucleotide variant.
Coding change: c.1415G>A on transcript NM_001011719.2 (MANE Select); coding-DNA position 1415, G replaced by A.
Protein change: p.Gly472Glu; replaces glycine 472 with glutamic acid.
Molecular consequence: missense variant.
Genome position (GRCh38, 1-based): chrX:3,033,111, G>A. VCF-style: chrX-3033111-G-A. GRCh37 (hg19) VCF-style: chrX-2951152-G-A.
Other names: short protein forms G472E.
Identifiers: ClinVar variation 4643204 (VCV004643204.1).

ClinVar aggregate classification (germline): Uncertain significance (1 of 4 stars; one submission).

gnomAD v4.1: 12 of 1,209,018 alleles (0.00099%); highest among the groups gnomAD compares: South Asian, 0.014%; no homozygotes.

Submission:

Ambry Genetics
Classification: Uncertain significance. Last evaluated: 2025-12-09. Review status: criteria provided, single submitter. Criteria: Ambry Variant Classification Scheme 2023. Collection method: clinical testing. Allele origin: germline.
Comment: The c.1415G>A (p.G472E) alteration is located in exon 9 (coding exon 9) of the ARSH gene. This alteration results from a G to A substitution at nucleotide position 1415, causing the glycine (G) at amino acid position 472 to be replaced by a glutamic acid (E). Based on data from gnomAD, the A allele has an overall frequency of 0.001% (2/183345) total alleles studied. The highest observed frequency was 0.011% (2/19074) of South Asian alleles. Based on insufficient or conflicting evidence, the clinical significance of this alteration remains unclear.